The following is an entry in ClinVar:

NM_001303.4(COX10):c.514A>G (p.Thr172Ala)

Gene: COX10 (cytochrome c oxidase assembly factor heme A:farnesyltransferase COX10; plus strand). Cytogenetic location: 17p12.
Variant type: single nucleotide variant.
Coding change: c.514A>G on transcript NM_001303.4 (MANE Select); coding-DNA position 514, A replaced by G.
Protein change: p.Thr172Ala; replaces threonine 172 with alanine.
Molecular consequence: missense variant.
Genome position (GRCh38, 1-based): chr17:14,102,132, A>G. VCF-style: chr17-14102132-A-G. GRCh37 (hg19) VCF-style: chr17-14005449-A-G.
Other names: short protein forms T172A.
Identifiers: ClinVar variation 3629926 (VCV003629926.1).

ClinVar aggregate classification (germline): Uncertain significance (1 of 4 stars; one submission).

gnomAD v4.1: 4 of 1,613,560 alleles (0.00025%); highest among the groups gnomAD compares: Middle Eastern, 0.017%; no homozygotes.

Submission:

Women's Health and Genetics/Laboratory Corporation of America, LabCorp
Classification: Uncertain significance. Last evaluated: 2024-11-22. Review status: criteria provided, single submitter. Criteria: LabCorp Variant Classification Summary - May 2015. Collection method: clinical testing. Allele origin: germline.
Comment: Variant summary: COX10 c.514A>G (p.Thr172Ala) results in a non-conservative amino acid change in the encoded protein sequence. Five of five in-silico tools predict a damaging effect of the variant on protein function. The variant allele was found at a frequency of 4e-06 in 251234 control chromosomes. The available data on variant occurrences in the general population are insufficient to allow any conclusion about variant significance. To our knowledge, no occurrence of c.514A>G in individuals affected with Mitochondrial Complex 4 Deficiency, Nuclear Type 3 and no experimental evidence demonstrating its impact on protein function have been reported. No submitters have cited clinical-significance assessments for this variant to ClinVar. Based on the evidence outlined above, the variant was classified as uncertain significance.